The following is an entry in ClinVar:

ClinVar aggregate classification (germline): Uncertain significance (1 of 4 stars; one submission).

gnomAD v4.1: 35 of 1,550,280 alleles (0.0023%); highest among the groups gnomAD compares: African/African-American, 0.031%; no homozygotes.

Submission:

Ambry Genetics
Classification: Uncertain significance. Last evaluated: 2024-02-12. Review status: criteria provided, single submitter. Criteria: Ambry Variant Classification Scheme 2023. Collection method: clinical testing. Allele origin: germline.
Comment: The c.2472C>G (p.I824M) alteration is located in exon (coding exon ) of the PARG gene. This alteration results from a C to G substitution at nucleotide position 2472, causing the isoleucine (I) at amino acid position 824 to be replaced by a methionine (M). Based on insufficient or conflicting evidence, the clinical significance of this alteration remains unclear.

NM_003631.5(PARG):c.2472C>G (p.Ile824Met)

Gene: PARG (poly(ADP-ribose) glycohydrolase; minus strand). Cytogenetic location: 10q11.23.
Variant type: single nucleotide variant.
Coding change: c.2472C>G on transcript NM_003631.5 (MANE Select); coding-DNA position 2472, C replaced by G.
Protein change: p.Ile824Met; replaces isoleucine 824 with methionine.
Molecular consequence: missense variant. On other transcripts: non-coding transcript variant (7).
Genome position (GRCh38, 1-based): chr10:49,842,019, G>C on the plus strand (C>G on the coding strand, the complement: PARG is on the minus strand). VCF-style: chr10-49842019-G-C. GRCh37 (hg19) VCF-style: chr10-51050065-G-C.
Other names: c.2226C>G, p.Ile742Met (NM_001303486.3, NM_001324381.3); c.2148C>G, p.Ile716Met (NM_001303487.3); c.1230C>G, p.Ile410Met (NM_001303489.3); short protein forms I716M, I742M, I410M, I824M.
Identifiers: ClinVar variation 3208650 (VCV003208650.1), dbSNP rs35895637, ClinGen allele CA206985535.